The following is an entry in ClinVar:

ClinVar aggregate classification (germline): Uncertain significance (1 of 4 stars; one submission).

Conditions:
Oligodontia-cancer predisposition syndrome. Also called: TOOTH AGENESIS-COLORECTAL CANCER SYNDROME. Identifiers: Orphanet 300576, MedGen C1837750, MONDO:0012075, OMIM 608615. Disease mechanism: loss of function.

Submission:

Labcorp Genetics (formerly Invitae), Labcorp
Classification: Uncertain significance for Oligodontia-cancer predisposition syndrome. Last evaluated: 2024-04-29. Review status: criteria provided, single submitter. Criteria: Invitae Variant Classification Sherloc (09022015). Collection method: clinical testing. Allele origin: germline.
Comment: This sequence change replaces serine, which is neutral and polar, with tyrosine, which is neutral and polar, at codon 53 of the AXIN2 protein (p.Ser53Tyr). This variant is not present in population databases (gnomAD no frequency). This variant has not been reported in the literature in individuals affected with AXIN2-related conditions. ClinVar contains an entry for this variant (Variation ID: 575791). Advanced modeling of protein sequence and biophysical properties (such as structural, functional, and spatial information, amino acid conservation, physicochemical variation, residue mobility, and thermodynamic stability) performed at Invitae indicates that this missense variant is not expected to disrupt AXIN2 protein function with a negative predictive value of 80%. In summary, the available evidence is currently insufficient to determine the role of this variant in disease. Therefore, it has been classified as a Variant of Uncertain Significance.

NM_004655.4(AXIN2):c.158C>A (p.Ser53Tyr)

Gene: AXIN2 (axin 2; minus strand). Cytogenetic location: 17q24.1.
Variant type: single nucleotide variant.
Coding change: c.158C>A on transcript NM_004655.4 (MANE Select); coding-DNA position 158, C replaced by A.
Protein change: p.Ser53Tyr; replaces serine 53 with tyrosine.
Molecular consequence: missense variant.
Genome position (GRCh38, 1-based): chr17:65,558,463, G>T on the plus strand (C>A on the coding strand, the complement: AXIN2 is on the minus strand). VCF-style: chr17-65558463-G-T. GRCh37 (hg19) VCF-style: chr17-63554581-G-T.
Other names: c.158C>A (LRG_296t1); c.158C>A, p.Ser53Tyr (NM_001363813.1); short protein forms S53Y.
Identifiers: ClinVar variation 575791 (VCV000575791.7), dbSNP rs760625400, ClinGen allele CA400681999.
Genomic context (GRCh38, chr17:65,558,463, plus strand): 5'-GAATCCGGAGATGCCCGCCCCTCCGGCTCCCCCAACCCATCTTCGTTCCGCCTGGTGTTG[G>T]AAGAGACAGGCATGGGTTTGGTGACCTGGCCCTTGCCCACCCCTGGCTGACACGGTGGGG-3'
Protein context (NP_004646.3, residues 43-63): GQVTKPMPVS[Ser53Tyr]NTRRNEDGLG